The following is an entry in ClinVar:

NM_024408.4(NOTCH2):c.2599+12G>C

Gene: NOTCH2 (notch receptor 2; minus strand). Cytogenetic location: 1p12.
Variant type: single nucleotide variant.
Coding change: c.2599+12G>C on transcript NM_024408.4 (MANE Select); 12 bases into the intron after coding-DNA position 2599, G replaced by C.
Molecular consequence: intron variant.
Genome position (GRCh38, 1-based): chr1:119,948,995, C>G on the plus strand (G>C on the coding strand, the complement: NOTCH2 is on the minus strand). VCF-style: chr1-119948995-C-G. GRCh37 (hg19) VCF-style: chr1-120491618-C-G.
Other names: p.?; c.2599+12G>C (NM_001200001.2).
Identifiers: ClinVar variation 261700 (VCV000261700.15), dbSNP rs74117573, ClinGen allele CA1040248.

ClinVar aggregate classification (germline): Benign/Likely benign. Review status: criteria provided, multiple submitters, no conflicts (2 of 4 stars). 5 submissions from 5 submitters: Benign (4); Likely benign (1). Last evaluated 2026-02-01.

Conditions:
Hajdu-Cheney syndrome (HJCYS). Also called: ACROOSTEOLYSIS WITH OSTEOPOROSIS AND CHANGES IN SKULL AND MANDIBLE; Acroosteolysis dominant type; SERPENTINE FIBULA-POLYCYSTIC KIDNEY SYNDROME. Identifiers: Orphanet 955, MedGen C0917715, MONDO:0007057, OMIM 102500.

Allele frequency attached by ClinVar (database versions not stated): gnomAD exomes 0.00195 and 0.00456; ExAC 0.00568; gnomAD 0.01261 and 0.01309; TOPMed 0.01411; ESP Exome Variant Server 0.01515; 1000 Genomes Project 0.01577; 1000 Genomes Project 30x 0.01671.
gnomAD v4.1: 4,884 of 1,614,158 alleles (0.3%); highest among the groups gnomAD compares: African/African-American, 4.3%; 93 homozygotes.

Submissions (5):

Labcorp Genetics (formerly Invitae), Labcorp
Classification: Benign for Hajdu-Cheney syndrome. Last evaluated: 2026-02-01. Review status: criteria provided, single submitter. Criteria: Invitae Variant Classification Sherloc (09022015). Collection method: clinical testing. Allele origin: germline.

Mayo Clinic Laboratories, Mayo Clinic
Classification: Benign. Last evaluated: 2024-12-10. Review status: criteria provided, single submitter. Criteria: ACMG Guidelines, 2015. Collection method: clinical testing. Allele origin: germline. Observed: 8 variant alleles.
Comment: BA1

Blueprint Genetics
Classification: Benign. Last evaluated: 2024-11-25. Review status: criteria provided, single submitter. Criteria: ACMG Guidelines, 2015. Collection method: clinical testing. Allele origin: germline.

GeneDx
Classification: Likely benign. Last evaluated: 2018-07-14. Review status: criteria provided, single submitter. Criteria: GeneDx Variant Classification Process June 2021. Collection method: clinical testing. Allele origin: germline. Affected: yes.

PreventionGenetics, part of Exact Sciences
Classification: Benign. Review status: criteria provided, single submitter. Criteria: ACMG Guidelines, 2015. Collection method: clinical testing. Allele origin: germline.